The following is an entry in ClinVar:

ClinVar aggregate classification (germline): Likely benign. Review status: criteria provided, multiple submitters, no conflicts (2 of 4 stars). 2 submissions from 2 submitters: Likely benign (2). Last evaluated 2025-09-24.

Conditions:
Autosomal recessive limb-girdle muscular dystrophy type 2J (LGMDR10). Also called: Limb-girdle muscular dystrophy, type 2J; MUSCULAR DYSTROPHY, LIMB-GIRDLE, AUTOSOMAL RECESSIVE 10. Identifiers: Orphanet 140922, MedGen C1837342, MONDO:0012127, OMIM 608807.
Dilated cardiomyopathy 1G (CMD1G). Identifiers: Orphanet 154, MedGen C1858763, MONDO:0011400, OMIM 604145.

Allele frequency attached by ClinVar (database versions not stated): gnomAD exomes below 0.00001 and 0.00001; ExAC 0.00001; gnomAD 0.00001.
gnomAD v4.1: 3 of 1,613,382 alleles (0.00019%); highest among the groups gnomAD compares: Admixed American, 0.0033%; no homozygotes.

Submissions (2):

Labcorp Genetics (formerly Invitae), Labcorp
Classification: Likely benign for Dilated cardiomyopathy 1G; Autosomal recessive limb-girdle muscular dystrophy type 2J. Last evaluated: 2025-09-24. Review status: criteria provided, single submitter. Criteria: Invitae Variant Classification Sherloc (09022015). Collection method: clinical testing. Allele origin: germline.

Laboratory for Molecular Medicine, Mass General Brigham Personalized Medicine
Classification: Likely benign. Last evaluated: 2015-09-10. Review status: criteria provided, single submitter. Criteria: LMM Criteria. Collection method: clinical testing. Allele origin: germline. Observed: 1 variant allele.
Comment: p.Tyr7728Tyr in exon 90 of TTN: This variant is not expected to have clinical si gnificance because it does not alter an amino acid residue and is not located wi thin the splice consensus sequence. It has been identified in 1/63558 European c hromosomes by the Exome Aggregation Consortium (ExAC .org).

NM_001267550.2(TTN):c.26916C>T (p.Tyr8972=)

Gene: TTN (titin; minus strand). Cytogenetic location: 2q31.2.
Variant type: single nucleotide variant.
Coding change: c.26916C>T on transcript NM_001267550.2 (MANE Select); coding-DNA position 26916, C replaced by T.
Protein change: p.Tyr8972=; no amino-acid change (tyrosine 8972 retained).
Molecular consequence: synonymous variant. On other transcripts: intron variant (3).
Genome position (GRCh38, 1-based): chr2:178,713,218, G>A on the plus strand (C>T on the coding strand, the complement: TTN is on the minus strand). VCF-style: chr2-178713218-G-A. GRCh37 (hg19) VCF-style: chr2-179577945-G-A.
Other names: c.23184C>T, p.Tyr7728= (NM_133378.4); c.25965C>T, p.Tyr8655= (NM_001256850.1); c.13282+24864C>T (NM_003319.4); c.13858+24864C>T (NM_133437.4); c.13657+24864C>T (NM_133432.3).
Identifiers: ClinVar variation 228072 (VCV000228072.13), dbSNP rs762329439, ClinGen allele CA1999900.